The following is an entry in ClinVar:

ClinVar aggregate classification (germline): Likely pathogenic (1 of 4 stars; one submission).

Conditions:
Primary ciliary dyskinesia. Also called: Ciliary dyskinesia. Identifiers: Orphanet 244, MedGen C0008780, MONDO:0016575, HP:0012265.

Submission:

Labcorp Genetics (formerly Invitae), Labcorp
Classification: Likely pathogenic for Primary ciliary dyskinesia. Last evaluated: 2023-11-18. Review status: criteria provided, single submitter. Criteria: Invitae Variant Classification Sherloc (09022015). Collection method: clinical testing. Allele origin: germline.
Comment: This sequence change affects an acceptor splice site in intron 37 of the DNAH11 gene. It is expected to disrupt RNA splicing. Variants that disrupt the donor or acceptor splice site typically lead to a loss of protein function (PMID: 16199547), and loss-of-function variants in DNAH11 are known to be pathogenic (PMID: 18022865, 20513915, 22184204). This variant is not present in population databases (gnomAD no frequency). This variant has not been reported in the literature in individuals affected with DNAH11-related conditions. Algorithms developed to predict the effect of sequence changes on RNA splicing suggest that this variant may disrupt the consensus splice site. In summary, the currently available evidence indicates that the variant is pathogenic, but additional data are needed to prove that conclusively. Therefore, this variant has been classified as Likely Pathogenic.

Literature cited by the submitters: PubMed 16199547; PubMed 18022865; PubMed 20513915; PubMed 22184204.

NM_001277115.2(DNAH11):c.6274-1G>A

Gene: DNAH11 (dynein axonemal heavy chain 11; plus strand). Cytogenetic location: 7p15.3.
Variant type: single nucleotide variant.
Coding change: c.6274-1G>A on transcript NM_001277115.2 (MANE Select); the canonical splice acceptor site of the intron before coding-DNA position 6274, G replaced by A.
Molecular consequence: splice acceptor variant.
Genome position (GRCh38, 1-based): chr7:21,704,433, G>A. VCF-style: chr7-21704433-G-A. GRCh37 (hg19) VCF-style: chr7-21744051-G-A.
Identifiers: ClinVar variation 2816466 (VCV002816466.3), dbSNP rs1489010290, ClinGen allele CA366936855.
Genomic context (GRCh38, chr7:21,704,433, plus strand): 5'-AGTTTTTTAGGTGTTTGTTAGACCTTGTATTGGCTTTTTTATAAAATGTTTTTTTTTCTA[G>A]GTACTCATGAGAGCATTAAGGGATTTCAATATGCCCAAAATAGTGACTGACGACATCCCA-3'